The following is an entry in ClinVar:

NM_198880.3(QRICH1):c.2159G>A (p.Arg720Gln)

Gene: QRICH1 (glutamine rich 1; minus strand). Cytogenetic location: 3p21.31.
Variant type: single nucleotide variant.
Coding change: c.2159G>A on transcript NM_198880.3 (MANE Select); coding-DNA position 2159, G replaced by A.
Protein change: p.Arg720Gln; replaces arginine 720 with glutamine.
Molecular consequence: missense variant.
Genome position (GRCh38, 1-based): chr3:49,030,624, C>T on the plus strand (G>A on the coding strand, the complement: QRICH1 is on the minus strand). VCF-style: chr3-49030624-C-T. GRCh37 (hg19) VCF-style: chr3-49068057-C-T.
Other names: c.2159G>A, p.Arg720Gln (NM_001320580.2, NM_001320581.2, NM_001320582.2 and 4 more transcripts); short protein forms R720Q.
Identifiers: ClinVar variation 2692558 (VCV002692558.1), dbSNP rs1559920341, ClinGen allele CA352751269.

ClinVar aggregate classification (germline): Likely pathogenic (1 of 4 stars; one submission).

Conditions:
Ververi-Brady syndrome. Identifiers: MedGen C4693824, MONDO:0979877, MONDO:0060707.

Allele frequency attached by ClinVar (database versions not stated): gnomAD exomes below 0.00001.
gnomAD v4.1: 2 of 1,586,520 alleles (0.00013%); highest among the groups gnomAD compares: East Asian, 0.0023%; no homozygotes.

Submission:

Greenwood Genetic Center Diagnostic Laboratories, Greenwood Genetic Center
Classification: Likely pathogenic for Ververi-Brady syndrome 1. Last evaluated: 2023-10-17. Review status: criteria provided, single submitter. Criteria: ACMG Guidelines, 2015. Collection method: clinical testing. Allele origin: germline. Affected: yes.
Comment: PS2, PM2, PP2, PP3